The following is an entry in ClinVar:

ClinVar aggregate classification (germline): Likely pathogenic (1 of 4 stars; one submission).

Conditions:
X-linked Alport syndrome (ATS1). Also called: NEPHROPATHY AND DEAFNESS, X-LINKED; COL4A5-Related Nephropathy. Identifiers: Orphanet 63, Orphanet 88917, MedGen C4746986, MONDO:0010520, OMIM 301050.

Submission:

Myriad Genetics, Inc.
Classification: Likely pathogenic for X-linked Alport syndrome. Last evaluated: 2019-01-24. Review status: criteria provided, single submitter. Criteria: Myriad Women's Health Autosomal Recessive and X-Linked Classification Criteria (2019). Collection method: clinical testing. Allele origin: unknown.
Comment: NM_000495.4(COL4A5):c.3270C>A(Y1090*) is expected to be pathogenic in the context of X-linked Alport syndrome. This variant is predicted to lead to an abnormal or absent protein product due to the creation of a premature termination codon in COL4A5, a gene where loss-of-function variants are known to be pathogenic. Please note: this variant was assessed in the context of healthy population screening.

NM_033380.3(COL4A5):c.3270C>A (p.Tyr1090Ter)

Gene: COL4A5 (collagen type IV alpha 5 chain; plus strand). Cytogenetic location: Xq22.3.
Variant type: single nucleotide variant.
Coding change: c.3270C>A on transcript NM_033380.3 (MANE Select); coding-DNA position 3270, C replaced by A.
Protein change: p.Tyr1090Ter; replaces tyrosine 1090 with a stop codon.
Molecular consequence: nonsense.
Genome position (GRCh38, 1-based): chrX:108,655,354, C>A. VCF-style: chrX-108655354-C-A. GRCh37 (hg19) VCF-style: chrX-107898584-C-A.
Other names: c.3270C>A, p.Tyr1090Ter (NM_000495.5); short protein forms Y1090*.
Identifiers: ClinVar variation 984062 (VCV000984062.3), dbSNP rs2067818573, ClinGen allele CA413857255.